The following is an entry in ClinVar:

NM_000435.3(NOTCH3):c.126T>A (p.Pro42=)

Gene: NOTCH3 (notch receptor 3; minus strand). Cytogenetic location: 19p13.12.
Variant type: single nucleotide variant.
Coding change: c.126T>A on transcript NM_000435.3 (MANE Select); coding-DNA position 126, T replaced by A.
Protein change: p.Pro42=; no amino-acid change (proline 42 retained).
Molecular consequence: synonymous variant.
Genome position (GRCh38, 1-based): chr19:15,197,571, A>T on the plus strand (T>A on the coding strand, the complement: NOTCH3 is on the minus strand). VCF-style: chr19-15197571-A-T. GRCh37 (hg19) VCF-style: chr19-15308382-A-T.
Identifiers: ClinVar variation 4085370 (VCV004085370.8).
Genomic context (GRCh38, chr19:15,197,571, plus strand): 5'-CTCCCGGGAGGGCAGCTGGGTGCAACGACCTCCATTTGCACACGGGCTTCCGTCCAGGCA[A>T]GGGGGGGCTGTGTGGGGGTGAAGGAAGGTGGAGGATCAGCCAGGTGCCCAGGAACCCCAG-3'
Protein context (NP_000426.2, residues 32-52): LLAGPGAAAP[Pro42=]CLDGSPCANG

ClinVar aggregate classification (germline): Likely benign (1 of 4 stars; one submission).

gnomAD v4.1: 4 of 1,611,416 alleles (0.00025%); highest among the groups gnomAD compares: East Asian, 0.0022%; no homozygotes.

Submission:

CeGaT Center for Human Genetics Tuebingen
Classification: Likely benign. Last evaluated: 2025-08-01. Review status: criteria provided, single submitter. Criteria: CeGaT Center For Human Genetics Tuebingen Variant Classification Criteria Version 2. Collection method: clinical testing. Allele origin: germline. Affected: yes. Observed: 1 variant allele.
Comment: NOTCH3: BP4, BP7